The following is an entry in ClinVar:

ClinVar aggregate classification (germline): Uncertain significance (1 of 4 stars; one submission).

Conditions:
Congenital myasthenic syndrome 8. Also called: Myasthenic syndrome, congenital, 8, with pre- and postsynaptic defects; MYASTHENIC SYNDROME, CONGENITAL, DUE TO AGRIN DEFICIENCY. Identifiers: Orphanet 590, MedGen C3808739, MONDO:0014052, OMIM 615120.

Submission:

Labcorp Genetics (formerly Invitae), Labcorp
Classification: Uncertain significance for Congenital myasthenic syndrome 8. Last evaluated: 2024-09-12. Review status: criteria provided, single submitter. Criteria: Invitae Variant Classification Sherloc (09022015). Collection method: clinical testing. Allele origin: germline.
Comment: This sequence change replaces serine, which is neutral and polar, with proline, which is neutral and non-polar, at codon 867 of the AGRN protein (p.Ser867Pro). This variant is not present in population databases (gnomAD no frequency). This variant has not been reported in the literature in individuals affected with AGRN-related conditions. An algorithm developed to predict the effect of missense changes on protein structure and function (PolyPhen-2) suggests that this variant is likely to be disruptive. In summary, the available evidence is currently insufficient to determine the role of this variant in disease. Therefore, it has been classified as a Variant of Uncertain Significance.

NM_198576.4(AGRN):c.2599T>C (p.Ser867Pro)

Gene: AGRN (agrin; plus strand). Cytogenetic location: 1p36.33.
Variant type: single nucleotide variant.
Coding change: c.2599T>C on transcript NM_198576.4 (MANE Select); coding-DNA position 2599, T replaced by C.
Protein change: p.Ser867Pro; replaces serine 867 with proline.
Molecular consequence: missense variant.
Genome position (GRCh38, 1-based): chr1:1,045,795, T>C. VCF-style: chr1-1045795-T-C. GRCh37 (hg19) VCF-style: chr1-981175-T-C.
Other names: c.2599T>C, p.Ser867Pro (NM_001305275.2); c.2284T>C, p.Ser762Pro (NM_001364727.2); short protein forms S867P, S762P.
Identifiers: ClinVar variation 3636712 (VCV003636712.2).
Genomic context (GRCh38, chr1:1,045,795, plus strand): 5'-TGCAGCTGTGATCCCCAAGGCGCCGTGCGGGATGACTGTGAGCAGATGACGGGGCTGTGC[T>C]CGTGTAAGCCCGGGGTGGCTGGACCCAAGTGTGGGCAGTGTCCAGACGGCCGTGCCCTGG-3'
Protein context (NP_940978.2, residues 857-877): DDCEQMTGLC[Ser867Pro]CKPGVAGPKC